The following is an entry in ClinVar:

ClinVar aggregate classification (germline): Conflicting classifications of pathogenicity. Review status: criteria provided, conflicting classifications (1 of 4 stars). 2 submissions from 2 submitters: Uncertain significance (1); Likely benign (1). Last evaluated 2024-04-12.

Conditions:
Hereditary breast ovarian cancer syndrome. Also called: Hereditary breast and ovarian cancer syndrome (HBOC); Hereditary breast and ovarian cancer; BRCA1- and BRCA2-Associated Hereditary Breast and Ovarian Cancer; Breast and ovarian cancer; Hereditary breast and ovarian cancer syndrome; Hereditary breast and/or ovarian cancer syndrome. Identifiers: Orphanet 145, MedGen C0677776, MeSH D061325, MONDO:0003582. Disease mechanism: loss of function.
Breast-ovarian cancer, familial, susceptibility to, 1 (BROVCA1). Also called: OVARIAN CANCER, SUSCEPTIBILITY TO; BRCA1 Hereditary Breast and Ovarian Cancer. Identifiers: Orphanet 145, MedGen C2676676, MONDO:0011450, OMIM 604370. Disease mechanism: loss of function.

Submissions (3):

Lupski Lab, Baylor-Hopkins CMG, Baylor College of Medicine
Classification: Likely benign for Breast-ovarian cancer, familial, susceptibility to, 1. Last evaluated: 2024-04-12. Review status: criteria provided, single submitter. Criteria: Dawood et al. (medRxiv. 2024). Collection method: curation. Allele origin: germline.
Comment: Each variant was annotated with functional scores from MAVE data which was translated into functional evidence codes. All other evidence codes and combining criteria were adhered to as closely as possible based on the ClinGen VCEP (Variant Curation Expert Panel) gene-specific recommendations. See Supplemental Figure 34 of final paper (Supp Fig. 28 in preprint: doi:10.1101/2024.04.11.24305690) for a table to see which lines of evidence we did not have data for. The ClinGen VCEPs are highly regarded as the gold-standard for gene-specific variant curation and are developed after extensive evaluation of the evidence by clinical and scientific experts for the particular gene to classify genomic variants on a spectrum from pathogenic to benign using the 2015 ACMG/AMP Variant Interpretation Guidelines as a backbone (PMID: 25741868). Reclassification of these VUS variants from gnomAD or All of Us focused only on variants originally prescribed as VUS in ClinVar. To ensure reproducibility, transparency, and increased throughput, all the procedures for annotating variants and assigning evidence codes were codified using Python. All code has been made freely available and is linked in the Code Availability section and all reclassified variants with evidence codes used can be found in Tables S18-19 (preprint: doi:10.1101/2024.04.11.24305690). For the MAVE data, the clinical curation and clinical strength assignment as per the ClinGen recommendations in Brnich et al. (2020) (PMID: 31892348) for or against pathogenicity or benignity of each of these MAVE datasets utilized in this study were previously published in Fayer et al. (2021) (PMID: 34793697).In brief, for BRCA1 variants, if a variant was categorized as FUNC (functional), it was assigned BS3 evidence and no PS3 evidence, whereas if it was categorized as LOF (loss of function), the variant was assigned PS3 evidence and no BS3 evidence. Variants categorized as INT (intermediate) were left unannotated. For the BRCA1 combining criteria, greater than or equal to 1 criteria of strong benign evidence was enough to reclassify the VUS as Likely Benign. This variant GRCh38:17:43067632:T>A was assigned evidence codes ['BS3', 'BP4'] and an overall classification of Likely benign

Labcorp Genetics (formerly Invitae), Labcorp
Classification: Uncertain significance for Hereditary breast ovarian cancer syndrome. Last evaluated: 2018-11-10. Review status: criteria provided, single submitter. Criteria: Invitae Variant Classification Sherloc (09022015). Collection method: clinical testing. Allele origin: germline.
Comment: This sequence change replaces threonine with serine at codon 1684 of the BRCA1 protein (p.Thr1684Ser). The threonine residue is highly conserved and there is a small physicochemical difference between threonine and serine. This variant is not present in population databases (ExAC no frequency). This variant has not been reported in the literature in individuals with BRCA1-related disease. Algorithms developed to predict the effect of missense changes on protein structure and function are either unavailable or do not agree on the potential impact of this missense change (SIFT: "Deleterious"; PolyPhen-2: "Probably Damaging"; Align-GVGD: "Class C0"). In summary, the available evidence is currently insufficient to determine the role of this variant in disease. Therefore, it has been classified as a Variant of Uncertain Significance.

Brotman Baty Institute, University of Washington
No classification provided (evidence only). Condition: Breast-ovarian cancer, familial 1. Review status: no classification provided. Collection method: in vitro. Allele origin: not applicable. Functional consequence: functionally_normal. Not counted in ClinVar's aggregate classification.
ClinVar note: "not provided" was previously submitted as the classification for the variant. However, the classification appeared to be based only on an observation of functional data so it was converted to no classification on 2025-07-30.

Literature cited by the submitters: PubMed 39142283 (cited by Lupski Lab, Baylor-Hopkins CMG, Baylor College of Medicine); PubMed 34793697 (cited by Lupski Lab, Baylor-Hopkins CMG, Baylor College of Medicine); DOI 10.1101/2024.04.11.24305690 (cited by Lupski Lab, Baylor-Hopkins CMG, Baylor College of Medicine).

NM_007294.4(BRCA1):c.5050A>T (p.Thr1684Ser)

Gene: BRCA1 (BRCA1 DNA repair associated; minus strand). Cytogenetic location: 17q21.31.
Variant type: single nucleotide variant.
Coding change: c.5050A>T on transcript NM_007294.4 (MANE Select); coding-DNA position 5050, A replaced by T.
Protein change: p.Thr1684Ser; replaces threonine 1684 with serine.
Molecular consequence: missense variant. On other transcripts: non-coding transcript variant (1).
Genome position (GRCh38, 1-based): chr17:43,067,632, T>A on the plus strand (A>T on the coding strand, the complement: BRCA1 is on the minus strand). VCF-style: chr17-43067632-T-A. GRCh37 (hg19) VCF-style: chr17-41219649-T-A.
Other names: c.4837A>T, p.Thr1613Ser (NM_001407571.1, NM_001407894.1, NM_001407895.1 and 12 more transcripts); c.5116A>T, p.Thr1706Ser (NM_001407581.1, NM_001407582.1); c.5113A>T, p.Thr1705Ser (NM_001407583.1, NM_001407585.1, NM_001407587.1 and 1 more transcripts); c.5110A>T, p.Thr1704Ser (NM_001407590.1, NM_001407591.1); c.5050A>T, p.Thr1684Ser (NM_001407593.1, NM_001407594.1, NM_001407596.1 and 8 more transcripts); c.5047A>T, p.Thr1683Ser (NM_001407616.1, NM_001407617.1, NM_001407618.1 and 17 more transcripts); c.5044A>T, p.Thr1682Ser (NM_001407635.1, NM_001407636.1, NM_001407637.1 and 14 more transcripts); c.5041A>T, p.Thr1681Ser (NM_001407644.1, NM_001407645.1); and 70 more; short protein forms T1637S, T1684S, T1705S, T580S, T1388S, T1555S, T1556S, T1573S.
Identifiers: ClinVar variation 653644 (VCV000653644.13), dbSNP rs879255491, ClinGen allele CA10591417.